The following is an entry in ClinVar:

ClinVar aggregate classification (germline): Uncertain significance. Review status: criteria provided, multiple submitters, no conflicts (2 of 4 stars). 2 submissions from 2 submitters: Uncertain significance (2). Last evaluated 2025-09-16.

Conditions:
Cardiovascular phenotype. Identifiers: MedGen CN230736.

Allele frequency attached by ClinVar (database versions not stated): gnomAD exomes 0.00003.
gnomAD v4.1: 32 of 1,482,996 alleles (0.0022%); highest among the groups gnomAD compares: Non-Finnish European, 0.0029%; no homozygotes.

Submissions (2):

Ambry Genetics
Classification: Uncertain significance for Cardiovascular phenotype. Last evaluated: 2025-09-16. Review status: criteria provided, single submitter. Criteria: Ambry Variant Classification Scheme 2023. Collection method: clinical testing. Allele origin: germline.
Comment: The c.27617-3T>C intronic variant results from a T to C substitution 3 nucleotides upstream from coding exon 110 in the TTN gene. This nucleotide position is well conserved in available vertebrate species. In silico splice site analysis predicts that this alteration will not have any significant effect on splicing. Based on the available evidence, the clinical significance of this variant remains unclear.

Revvity Omics, Revvity
Classification: Uncertain significance. Last evaluated: 2019-01-28. Review status: criteria provided, single submitter. Criteria: ACMG Guidelines, 2015. Collection method: clinical testing. Allele origin: germline.

NM_001267550.2(TTN):c.54812-3T>C

Genes: TTN (titin; minus strand), TTN-AS1 (TTN antisense RNA 1; plus strand). Cytogenetic location: 2q31.2.
Variant type: single nucleotide variant.
Coding change: c.54812-3T>C on transcript NM_001267550.2 (MANE Select); 3 bases into the intron before coding-DNA position 54812, T replaced by C.
Molecular consequence: intron variant.
Genome position (GRCh38, 1-based): chr2:178,602,593, A>G on the plus strand (T>C on the coding strand, the complement: TTN is on the minus strand). VCF-style: chr2-178602593-A-G. GRCh37 (hg19) VCF-style: chr2-179467320-A-G.
Other names: c.27617-3T>C (NM_003319.4); c.28193-3T>C (NM_133437.4); c.27992-3T>C (NM_133432.3); c.47108-3T>C (NM_133378.4); c.49889-3T>C (NM_001256850.1).
Identifiers: ClinVar variation 2437609 (VCV002437609.4), dbSNP rs2470055531, ClinGen allele CA2580064889.